The following is an entry in ClinVar:

NM_001378120.1(MBD5):c.3902G>A (p.Gly1301Asp)

Gene: MBD5 (methyl-CpG binding domain protein 5; plus strand). Cytogenetic location: 2q23.1.
Variant type: single nucleotide variant.
Coding change: c.3902G>A on transcript NM_001378120.1 (MANE Select); coding-DNA position 3902, G replaced by A.
Protein change: p.Gly1301Asp; replaces glycine 1301 with aspartic acid.
Molecular consequence: missense variant.
Genome position (GRCh38, 1-based): chr2:148,489,534, G>A. VCF-style: chr2-148489534-G-A. GRCh37 (hg19) VCF-style: chr2-149247103-G-A.
Other names: c.3203G>A, p.Gly1068Asp (NM_018328.5); short protein forms G1301D, G1068D.
Identifiers: ClinVar variation 2874905 (VCV002874905.3), dbSNP rs1681449129, ClinGen allele CA348725656.

ClinVar aggregate classification (germline): Uncertain significance (1 of 4 stars; one submission).

Conditions:
Intellectual developmental disorder, autosomal dominant 1. Also called: MBD5 Haploinsufficiency; Intellectual disability, autosomal dominant 1. Identifiers: Orphanet 228402, MedGen C1969562, MONDO:0007974, OMIM 156200.

Allele frequency attached by ClinVar (database versions not stated): TOPMed below 0.00001.

Submission:

Labcorp Genetics (formerly Invitae), Labcorp
Classification: Uncertain significance for Intellectual developmental disorder, autosomal dominant 1. Last evaluated: 2023-06-11. Review status: criteria provided, single submitter. Criteria: Invitae Variant Classification Sherloc (09022015). Collection method: clinical testing. Allele origin: germline.
Comment: In summary, the available evidence is currently insufficient to determine the role of this variant in disease. Therefore, it has been classified as a Variant of Uncertain Significance. This sequence change replaces glycine, which is neutral and non-polar, with aspartic acid, which is acidic and polar, at codon 1068 of the MBD5 protein (p.Gly1068Asp). This variant is not present in population databases (gnomAD no frequency). This variant has not been reported in the literature in individuals affected with MBD5-related conditions. Experimental studies and prediction algorithms are not available or were not evaluated, and the functional significance of this variant is currently unknown.